The following is an entry in ClinVar:

ClinVar aggregate classification (germline): Pathogenic. Review status: criteria provided, multiple submitters, no conflicts (2 of 4 stars). 4 submissions from 4 submitters: Pathogenic (4). Last evaluated 2024-04-01.

Conditions:
Ataxia-telangiectasia syndrome (AT). Also called: AT, COMPLEMENTATION GROUP C; Cerebello-oculocutaneous telangiectasia; Immunodeficiency with ataxia telangiectasia; Ataxia-telangiectasia, complementation group D; ATAXIA-TELANGIECTASIA, FRESNO VARIANT; Ataxia-telangiectasia, complementation group E. Identifiers: Orphanet 100, MedGen C0004135, MONDO:0008840, OMIM 208900.
Hereditary cancer-predisposing syndrome. Also called: Hereditary neoplastic syndrome; Neoplastic Syndromes, Hereditary; Hereditary Cancer Syndrome; Tumor predisposition. Identifiers: Orphanet 140162, MedGen C0027672, MeSH D009386, MONDO:0015356.
Familial cancer of breast. Also called: BREAST CANCER, FAMILIAL; hereditary breast carcinoma; Hereditary breast cancer. Identifiers: Orphanet 227535, MedGen C0346153, MONDO:0016419, OMIM 114480. Disease mechanism: loss of function.

Submissions (4):

Labcorp Genetics (formerly Invitae), Labcorp
Classification: Pathogenic for Ataxia-telangiectasia syndrome. Last evaluated: 2024-04-01. Review status: criteria provided, single submitter. Criteria: Invitae Variant Classification Sherloc (09022015). Collection method: clinical testing. Allele origin: germline.
Comment: This sequence change creates a premature translational stop signal (p.Lys525*) in the ATM gene. It is expected to result in an absent or disrupted protein product. Loss-of-function variants in ATM are known to be pathogenic (PMID: 23807571, 25614872). This variant is not present in population databases (gnomAD no frequency). This variant has not been reported in the literature in individuals affected with ATM-related conditions. ClinVar contains an entry for this variant (Variation ID: 572985). Algorithms developed to predict the effect of sequence changes on RNA splicing suggest that this variant may disrupt the consensus splice site. For these reasons, this variant has been classified as Pathogenic.

Myriad Genetics, Inc.
Classification: Pathogenic for Familial cancer of breast. Last evaluated: 2024-01-16. Review status: criteria provided, single submitter. Criteria: Myriad Autosomal Dominant, Autosomal Recessive and X-Linked Classification Criteria (2023). Collection method: clinical testing. Allele origin: unknown.
Comment: This variant is considered pathogenic. This variant creates a termination codon and is predicted to result in premature protein truncation.

Ambry Genetics
Classification: Pathogenic for Hereditary cancer-predisposing syndrome. Last evaluated: 2023-04-19. Review status: criteria provided, single submitter. Criteria: Ambry Variant Classification Scheme 2023. Collection method: clinical testing. Allele origin: germline.
Comment: The p.K525* pathogenic mutation (also known as c.1573A>T), located in coding exon 9 of the ATM gene, results from an A to T substitution at nucleotide position 1573. This changes the amino acid from a lysine to a stop codon within coding exon 9. This alteration is expected to result in loss of function by premature protein truncation or nonsense-mediated mRNA decay. As such, this alteration is interpreted as a disease-causing mutation.

Institute of Medical Genetics and Applied Genomics, University Hospital Tübingen
Classification: Pathogenic. Last evaluated: 2021-09-15. Review status: criteria provided, single submitter. Criteria: ACMG Guidelines, 2015. Collection method: clinical testing. Allele origin: germline. Inheritance: Autosomal recessive inheritance. Affected: yes.

Literature cited by the submitters: PubMed 23807571 (cited by Labcorp Genetics (formerly Invitae), Labcorp); PubMed 25614872 (cited by Labcorp Genetics (formerly Invitae), Labcorp).

NM_000051.4(ATM):c.1573A>T (p.Lys525Ter)

Gene: ATM (ATM serine/threonine kinase; plus strand). Cytogenetic location: 11q22.3.
Variant type: single nucleotide variant.
Coding change: c.1573A>T on transcript NM_000051.4 (MANE Select); coding-DNA position 1573, A replaced by T.
Protein change: p.Lys525Ter; replaces lysine 525 with a stop codon.
Molecular consequence: nonsense.
Genome position (GRCh38, 1-based): chr11:108,251,038, A>T. VCF-style: chr11-108251038-A-T. GRCh37 (hg19) VCF-style: chr11-108121765-A-T.
Other names: c.1573A>T, p.Lys525Ter (NM_001351834.2); short protein forms K525*.
Identifiers: ClinVar variation 572985 (VCV000572985.11), dbSNP rs1565383766, ClinGen allele CA382534387.